The following continues an entry in ClinVar:

NM_001386393.1(PANK2):c.1231G>A (p.Gly411Arg)

Gene: PANK2. ClinVar aggregate classification (germline): Pathogenic/Likely pathogenic. Pathogenic (18); Likely pathogenic (1).

Submissions 13 to 25 of 25:

Revvity Omics, Revvity
Classification: Likely pathogenic. Last evaluated: 2021-08-13. Review status: criteria provided, single submitter. Criteria: ACMG Guidelines, 2015. Collection method: clinical testing. Allele origin: germline.

DBGen Ocular Genomics
Classification: Pathogenic for Retinitis pigmentosa. Last evaluated: 2021-06-18. Review status: criteria provided, single submitter. Criteria: ACMG Guidelines, 2015. Collection method: clinical testing. Allele origin: germline. Affected: yes. Observed: 1 variant allele.

SIB Swiss Institute of Bioinformatics
Classification: Pathogenic for Pigmentary pallidal degeneration. Last evaluated: 2018-05-31. Review status: criteria provided, single submitter. Criteria: ACMG Guidelines, 2015. Collection method: curation. Allele origin: unknown.
Comment: This variant is interpreted as a Pathogenic, for Neurodegeneration with brain iron accumulation 1, in Autosomal Recessive manner. The following ACMG Tag(s) were applied: PP3 => Multiple lines of computational evidence support a deleterious effect on the gene or gene product. PP1 => Cosegregation with disease in multiple affected family members in a gene definitively known to cause the disease. PM2 => Absent from controls (or at extremely low frequency if recessive) in Exome Sequencing Project, 1000 Genomes Project, or Exome Aggregation Consortium. PS4-Moderate => Recurrent mutation. (PMID:11479594,15834858,24075960) (PMID:12510040). PS3 => Well-established functional studies show a deleterious effect (PMID:16272150,15659606).

Eurofins Ntd Llc (ga)
Classification: Pathogenic. Last evaluated: 2018-05-10. Review status: criteria provided, single submitter. Criteria: EGL ClinVar v180209 classification definitions. Collection method: clinical testing. Allele origin: germline. Observed: 2 variant alleles, 1 heterozygote, 1 homozygote.

Center for Precision Medicine, Vanderbilt University Medical Center
Classification: Pathogenic for Pigmentary pallidal degeneration. Last evaluated: 2018-03-16. Review status: criteria provided, single submitter. Criteria: ACMG Guidelines, 2015. Collection method: research. Allele origin: germline. Inheritance: Autosomal recessive inheritance. Observed: 26 variant alleles, 26 heterozygotes. Clinical features observed: dysphagia, aphasia/speech disturbance, dementias, abnormal involuntary movements, torsion dystonia, hereditary retinal dystrophies, degenerative diseases of the basal ganglia.

Groupe Hospitalier Pitie Salpetriere, Uf Genomique Du Developpement, Assistance Publique Hopitaux de Paris Sorbonne Université
Classification: Pathogenic for Neurodegeneration with brain iron accumulation 1. Last evaluated: 2017-01-06. Review status: criteria provided, single submitter. Criteria: ACMG Guidelines, 2015. Collection method: clinical testing. Allele origin: maternal. Affected: yes. Observed: 1 variant allele.
Comment: neurodegenerative syndrome; cerebellar ataxia; epilepsy; tremor

Center for Pediatric Genomic Medicine, Children's Mercy Hospital and Clinics
Classification: Pathogenic. Last evaluated: 2016-03-03. Review status: criteria provided, single submitter. Criteria: ACMG Guidelines, 2015. Collection method: clinical testing. Allele origin: germline.

Solve-RD Consortium
Classification: Likely pathogenic for Rubinstein-Taybi syndrome due to EP300 haploinsufficiency. Last evaluated: 2022-06-01. Review status: no assertion criteria provided. Collection method: provider interpretation. Allele origin: inherited. Affected: yes. Not counted in ClinVar's aggregate classification.
Comment: Variant confirmed as disease-causing by referring clinical team

Variant identified during reanalysis of unsolved cases by the Solve-RD project. The Solve-RD project has received funding from the European Union’s Horizon 2020 research and innovation programme under grant agreement No 779257.

Solve-RD Consortium
Classification: Likely pathogenic for Pigmentary pallidal degeneration. Last evaluated: 2022-06-01. Review status: no assertion criteria provided. Collection method: provider interpretation. Allele origin: inherited. Affected: yes. Not counted in ClinVar's aggregate classification.
Comment: the same text as in the submission from Solve-RD Consortium above.

OMIM
Classification: Pathogenic for NEURODEGENERATION WITH BRAIN IRON ACCUMULATION 1. Last evaluated: 2001-08-01. Review status: no assertion criteria provided. Collection method: literature only. Allele origin: germline. Not counted in ClinVar's aggregate classification.

Department of Pathology and Laboratory Medicine, Sinai Health System
Classification: Pathogenic for Pigmentary pallidal degeneration. Review status: no assertion criteria provided. Collection method: clinical testing. Allele origin: unknown. Affected: yes. Study: The Canadian Open Genetics Repository (COGR). Not counted in ClinVar's aggregate classification.
Comment: The PANK2 p.Gly521Arg variant in homozygosity consistently presents as classic PKAN in the literature (Li_2013_22416811, Wu_2013_23968566, Zhang_2006_16272150). The variant was identified in dbSNP (ID: rs137852959) â€šÃ„Ãºwith Pathogenic alleleâ€šÃ„Ã¹, ClinVar classified as pathogenic (submitters: Ambry Genetics, Center for Pediatric Genomic Medicine (Children's Mercy Hospital and Clinics), GeneDx, OMIM, Undiagnosed Diseases Program Translational Research Laboratory (NIH) and Groupe Hospitalier Pitie Salpetriere (Paris)), and in control databases in 35 of 277234 chromosomes at a frequency of 0.0001 (Genome Aggregation Database Feb 27, 2017). Breakdown of the observations by population include Other in 2 of 6468 chromosomes (freq: 0.0003), Latino in 3 of 34420 chromosomes (freq: 0.00009), European Non-Finnish in 28 of 126718 chromosomes (freq: 0.0002), African in 1 of 24030 chromosomes (freq: 0.00004), and South Asian in 1 of 30782 chromosomes (freq: 0.00003), while not observed in the Ashkenazi Jewish, East Asian and European Finnish populations. The p.Gly521 residue is conserved in mammals and computational analyses (PolyPhen-2, SIFT, AlignGVGD, BLOSUM, MutationTaster) provide inconsistent predictions regarding the impact of the variant Arg to the protein; this information is not very predictive of pathogenicity. The variant occurs outside of the splicing consensus sequence and 2 of 5 in silico or computational prediction software programs (SpliceSiteFinder, MaxEntScan, NNSPLICE, GeneSplicer, HumanSpliceFinder) predict a difference in splicing. In summary, based on the above information this variant meets our laboratory's criteria to be classified as pathogenic.

GeneReviews
No classification provided. Condition: Pigmentary pallidal degeneration. Review status: no classification provided. Collection method: literature only. Allele origin: germline. Not counted in ClinVar's aggregate classification.
Comment: The most frequent PANK2 pathogenic variant, p.Gly521Arg, leads to a protein that is misfolded and devoid of activity [Zhang et al 2006].

Undiagnosed Diseases Program Translational Research Laboratory, National Institutes of Health
Classification: Pathogenic for Hypoprebetalipoproteinemia, acanthocytosis, retinitis pigmentosa, and pallidal degeneration. Review status: no assertion criteria provided. Collection method: not provided. Allele origin: biparental, inherited. Not counted in ClinVar's aggregate classification.
ClinVar note: Converted during submission from pathogenic to Pathogenic.

Literature cited by the submitters: PubMed 11479594 (cited by 7 submitters); PubMed 16450344 (cited by Labcorp Genetics (formerly Invitae), Labcorp and Mayo Clinic Laboratories, Mayo Clinic); PubMed 22221393 (cited by 4 submitters); PubMed 26795593 (cited by Labcorp Genetics (formerly Invitae), Labcorp and Mayo Clinic Laboratories, Mayo Clinic); PubMed 15659606 (cited by 5 submitters); PubMed 16272150 (cited by 5 submitters); PubMed 12510040 (cited by 3 submitters); PubMed 15834858 (cited by Mayo Clinic Laboratories, Mayo Clinic and SIB Swiss Institute of Bioinformatics); PubMed 16437574 (cited by Mayo Clinic Laboratories, Mayo Clinic); PubMed 22416811 (cited by Mayo Clinic Laboratories, Mayo Clinic and Eurofins Ntd Llc (ga)); PubMed 23968566 (cited by 3 submitters); PubMed 24075960 (cited by Mayo Clinic Laboratories, Mayo Clinic and SIB Swiss Institute of Bioinformatics); PubMed 24215330 (cited by Mayo Clinic Laboratories, Mayo Clinic and Eurofins Ntd Llc (ga)); PubMed 28708303 (cited by 3 submitters); PubMed 30363918 (cited by Mayo Clinic Laboratories, Mayo Clinic); PubMed 32456086 (cited by Mayo Clinic Laboratories, Mayo Clinic and Ambry Genetics); PubMed 24348190 (cited by Eurofins Ntd Llc (ga)); PubMed 39825153 (cited by Solve-RD Consortium).